The following is an entry in ClinVar:

ClinVar aggregate classification (germline): Uncertain significance. Review status: criteria provided, multiple submitters, no conflicts (2 of 4 stars). 2 submissions from 2 submitters: Uncertain significance (2). Last evaluated 2023-01-24.

Conditions:
Catecholaminergic polymorphic ventricular tachycardia 1. Also called: RYR2-Related Catecholaminergic Polymorphic Ventricular Tachycardia; VENTRICULAR TACHYCARDIA, STRESS-INDUCED POLYMORPHIC 1; VENTRICULAR TACHYCARDIA, CATECHOLAMINERGIC POLYMORPHIC, 1, WITH OR WITHOUT ATRIAL DYSFUNCTION AND/OR DILATED CARDIOMYOPATHY. Identifiers: Orphanet 3286, MedGen C1631597, MONDO:0011484, OMIM 604772.
Cardiovascular phenotype. Identifiers: MedGen CN230736.

Allele frequency attached by ClinVar (database versions not stated): gnomAD exomes below 0.00001.
gnomAD v4.1: 2 of 1,547,172 alleles (0.00013%); highest among the groups gnomAD compares: Admixed American, 0.0039%; no homozygotes.

Submissions (2):

Ambry Genetics
Classification: Uncertain significance for Cardiovascular phenotype. Last evaluated: 2023-01-24. Review status: criteria provided, single submitter. Criteria: Ambry Variant Classification Scheme 2023. Collection method: clinical testing. Allele origin: germline.

Labcorp Genetics (formerly Invitae), Labcorp
Classification: Uncertain significance for Catecholaminergic polymorphic ventricular tachycardia 1. Last evaluated: 2022-07-11. Review status: criteria provided, single submitter. Criteria: Invitae Variant Classification Sherloc (09022015). Collection method: clinical testing. Allele origin: germline.
Comment: This variant is not present in population databases (gnomAD no frequency). In summary, the available evidence is currently insufficient to determine the role of this variant in disease. Therefore, it has been classified as a Variant of Uncertain Significance. Algorithms developed to predict the effect of missense changes on protein structure and function output the following: SIFT: "Tolerated"; PolyPhen-2: "Possibly Damaging"; Align-GVGD: "Class C0". The valine amino acid residue is found in multiple mammalian species, which suggests that this missense change does not adversely affect protein function. ClinVar contains an entry for this variant (Variation ID: 1512179). This variant has not been reported in the literature in individuals affected with TRDN-related conditions. This sequence change replaces alanine, which is neutral and non-polar, with valine, which is neutral and non-polar, at codon 485 of the TRDN protein (p.Ala485Val).

NM_006073.4(TRDN):c.1454C>T (p.Ala485Val)

Gene: TRDN (triadin; minus strand). Cytogenetic location: 6q22.31.
Variant type: single nucleotide variant.
Coding change: c.1454C>T on transcript NM_006073.4 (MANE Select); coding-DNA position 1454, C replaced by T.
Protein change: p.Ala485Val; replaces alanine 485 with valine.
Molecular consequence: missense variant.
Genome position (GRCh38, 1-based): chr6:123,331,896, G>A on the plus strand (C>T on the coding strand, the complement: TRDN is on the minus strand). VCF-style: chr6-123331896-G-A. GRCh37 (hg19) VCF-style: chr6-123653041-G-A.
Other names: c.1454C>T (NM_006073.2); short protein forms A485V.
Identifiers: ClinVar variation 1512179 (VCV001512179.9), dbSNP rs1001289198, ClinGen allele CA147246361.